The following is an entry in ClinVar:

ClinVar aggregate classification (germline): Benign/Likely benign. Review status: criteria provided, multiple submitters, no conflicts (2 of 4 stars). 4 submissions from 4 submitters: Benign (2); Likely benign (2). Last evaluated 2026-09-01.

Conditions:
Combined oxidative phosphorylation deficiency 55 (COXPD55). Identifiers: MedGen C5676915, MONDO:0859228, OMIM 619743.

Allele frequency attached by ClinVar (database versions not stated): ESP Exome Variant Server 0.00343; gnomAD exomes 0.00345; 1000 Genomes Project 0.00359; gnomAD 0.00380 and 0.00386; TOPMed 0.00394; 1000 Genomes Project 30x 0.00453; ExAC 0.00535.
gnomAD v4.1: 6,777 of 1,544,564 alleles (0.44%); highest among the groups gnomAD compares: Admixed American, 0.54%; 23 homozygotes.

Submissions (4):

CeGaT Center for Human Genetics Tuebingen
Classification: Likely benign. Last evaluated: 2026-09-01. Review status: criteria provided, single submitter. Criteria: CeGaT Center For Human Genetics Tuebingen Variant Classification Criteria Version 2. Collection method: clinical testing. Allele origin: germline. Affected: yes. Observed: 7 variant alleles.
Comment: POLRMT: BS2

Fulgent Genetics
Classification: Likely benign for Combined oxidative phosphorylation deficiency 55. Last evaluated: 2021-12-03. Review status: criteria provided, single submitter. Criteria: ACMG Guidelines, 2015. Collection method: clinical testing. Allele origin: unknown.

Labcorp Genetics (formerly Invitae), Labcorp
Classification: Benign. Last evaluated: 2018-04-05. Review status: criteria provided, single submitter. Criteria: Invitae Variant Classification Sherloc (09022015). Collection method: clinical testing. Allele origin: germline.

Breakthrough Genomics
Classification: Benign. Review status: criteria provided, single submitter. Criteria: ACMG Guidelines, 2015. Collection method: not provided. Allele origin: germline. Inheritance: Autosomal recessive inheritance. Affected: yes.

NM_005035.4(POLRMT):c.178G>A (p.Val60Met)

Gene: POLRMT (RNA polymerase mitochondrial; minus strand). Cytogenetic location: 19p13.3.
Variant type: single nucleotide variant.
Coding change: c.178G>A on transcript NM_005035.4 (MANE Select); coding-DNA position 178, G replaced by A.
Protein change: p.Val60Met; replaces valine 60 with methionine.
Molecular consequence: missense variant.
Genome position (GRCh38, 1-based): chr19:632,849, C>T on the plus strand (G>A on the coding strand, the complement: POLRMT is on the minus strand). VCF-style: chr19-632849-C-T. GRCh37 (hg19) VCF-style: chr19-632849-C-T.
Other names: short protein forms V60M.
Identifiers: ClinVar variation 790376 (VCV000790376.29), dbSNP rs139758373, ClinGen allele CA9020848.